The following is an entry in ClinVar:

ClinVar aggregate classification (germline): Uncertain significance (1 of 4 stars; one submission).

gnomAD v4.1: 6 of 1,612,952 alleles (0.00037%); highest among the groups gnomAD compares: Non-Finnish European, 0.00051%; no homozygotes.

Submission:

Labcorp Genetics (formerly Invitae), Labcorp
Classification: Uncertain significance. Last evaluated: 2025-06-22. Review status: criteria provided, single submitter. Criteria: Invitae Variant Classification Sherloc (09022015). Collection method: clinical testing. Allele origin: germline.
Comment: This sequence change replaces glutamic acid, which is acidic and polar, with lysine, which is basic and polar, at codon 503 of the LZTS1 protein (p.Glu503Lys). This variant is not present in population databases (gnomAD no frequency). This variant has not been reported in the literature in individuals affected with LZTS1-related conditions. ClinVar contains an entry for this variant (Variation ID: 2788978). Invitae Evidence Modeling of protein sequence and biophysical properties (such as structural, functional, and spatial information, amino acid conservation, physicochemical variation, residue mobility, and thermodynamic stability) indicates that this missense variant is expected to disrupt LZTS1 protein function with a positive predictive value of 80%. In summary, the available evidence is currently insufficient to determine the role of this variant in disease. Therefore, it has been classified as a Variant of Uncertain Significance.

NM_021020.5(LZTS1):c.1507G>A (p.Glu503Lys)

Gene: LZTS1 (leucine zipper tumor suppressor 1; minus strand). Cytogenetic location: 8p21.3.
Variant type: single nucleotide variant.
Coding change: c.1507G>A on transcript NM_021020.5 (MANE Select); coding-DNA position 1507, G replaced by A.
Protein change: p.Glu503Lys; replaces glutamic acid 503 with lysine.
Molecular consequence: missense variant.
Genome position (GRCh38, 1-based): chr8:20,250,006, C>T on the plus strand (G>A on the coding strand, the complement: LZTS1 is on the minus strand). VCF-style: chr8-20250006-C-T. GRCh37 (hg19) VCF-style: chr8-20107517-C-T.
Other names: c.1507G>A, p.Glu503Lys (NM_001362884.2); short protein forms E503K.
Identifiers: ClinVar variation 2788978 (VCV002788978.3), dbSNP rs767915988, ClinGen allele CA370476007.
Genomic context (GRCh38, chr8:20,250,006, plus strand): 5'-AGGACATCTGGTCATGGCCTTGCCGCTCCTCCCGCAGCTCGGCCCGCAGCCGCTCCAGCT[C>T]CCGCTGCAGGGCAGGGACGTCCTCGGGGAAGGTGGGCGGCCCCATGTCGCGGGCCAGGGC-3'
Protein context (NP_066300.1, residues 493-513): FPEDVPALQR[Glu503Lys]LERLRAELRE